The following is an entry in ClinVar:

ClinVar aggregate classification (germline): Uncertain significance (1 of 4 stars; one submission).

Conditions:
Developmental and epileptic encephalopathy, 31A. Also called: Epileptic encephalopathy, early infantile, 31; Developmental and epileptic encephalopathy, 31. Identifiers: Orphanet 2382, MedGen C4225357, MONDO:0014598, OMIM 616346.

Submission:

3billion
Classification: Uncertain significance for Developmental and epileptic encephalopathy, 31A. Last evaluated: 2023-11-10. Review status: criteria provided, single submitter. Criteria: ACMG Guidelines, 2015. Collection method: clinical testing. Allele origin: germline. Affected: yes.
Comment: The variant is not observed in the gnomAD v2.1.1 dataset. Predicted Consequence/Location: Missense changes are a common disease-causing mechanism. In silico tool predictions suggest damaging effect of the variant on gene or gene product [REVEL: 0.94 (>=0.6, sensitivity 0.68 and specificity 0.92)]. Therefore, this variant is classified as VUS according to the recommendation of ACMG/AMP guideline.

NM_004408.4(DNM1):c.475A>G (p.Met159Val)

Genes: DNM1 (dynamin 1; plus strand), LOC113839516 (Sharpr-MPRA regulatory region 8497; plus strand). Cytogenetic location: 9q34.11.
Variant type: single nucleotide variant.
Coding change: c.475A>G on transcript NM_004408.4 (MANE Select); coding-DNA position 475, A replaced by G.
Protein change: p.Met159Val; replaces methionine 159 with valine.
Molecular consequence: missense variant.
Genome position (GRCh38, 1-based): chr9:128,219,138, A>G. VCF-style: chr9-128219138-A-G. GRCh37 (hg19) VCF-style: chr9-130981417-A-G.
Other names: c.475A>G, p.Met159Val (NM_001005336.3, NM_001288737.2, NM_001288738.2 and 2 more transcripts); short protein forms M159V.
Identifiers: ClinVar variation 3775283 (VCV003775283.1).
Genomic context (GRCh38, chr9:128,219,138, plus strand): 5'-GGAATGACCAAGGTCCCGGTGGGGGACCAACCTCCCGACATCGAGTTCCAGATCCGAGAC[A>G]TGCTTATGCAGTTTGTCACCAAGGAGAACTGCCTCATCCTGGCCGTGTCCCCCGCCAACT-3'
Protein context (NP_004399.2, residues 149-169): PPDIEFQIRD[Met159Val]LMQFVTKENC